The following is an entry in ClinVar:

ClinVar aggregate classification (germline): Uncertain significance (1 of 4 stars; one submission).

Conditions:
Hypertrophic cardiomyopathy 10. Also called: CARDIOMYOPATHY, HYPERTROPHIC, MID-LEFT VENTRICULAR CHAMBER TYPE, 2; MYL2-Related Familial Hypertrophic Cardiomyopathy. Identifiers: MedGen C1834460, MONDO:0012112, OMIM 608758.

Submission:

Labcorp Genetics (formerly Invitae), Labcorp
Classification: Uncertain significance for Hypertrophic cardiomyopathy 10. Last evaluated: 2025-02-16. Review status: criteria provided, single submitter. Criteria: Invitae Variant Classification Sherloc (09022015). Collection method: clinical testing. Allele origin: germline.
Comment: This sequence change replaces histidine, which is basic and polar, with glutamine, which is neutral and polar, at codon 161 of the MYL2 protein (p.His161Gln). This variant is not present in population databases (gnomAD no frequency). This variant has not been reported in the literature in individuals affected with MYL2-related conditions. An algorithm developed to predict the effect of missense changes on protein structure and function (PolyPhen-2) suggests that this variant is likely to be disruptive. In summary, the available evidence is currently insufficient to determine the role of this variant in disease. Therefore, it has been classified as a Variant of Uncertain Significance.

NM_000432.4(MYL2):c.483C>G (p.His161Gln)

Gene: MYL2 (myosin light chain 2; minus strand). Cytogenetic location: 12q24.11.
Variant type: single nucleotide variant.
Coding change: c.483C>G on transcript NM_000432.4 (MANE Select); coding-DNA position 483, C replaced by G.
Protein change: p.His161Gln; replaces histidine 161 with glutamine.
Molecular consequence: missense variant.
Genome position (GRCh38, 1-based): chr12:110,911,095, G>C on the plus strand (C>G on the coding strand, the complement: MYL2 is on the minus strand). VCF-style: chr12-110911095-G-C. GRCh37 (hg19) VCF-style: chr12-111348899-G-C.
Other names: c.441C>G, p.His147Gln (NM_001406745.1); c.426C>G, p.His142Gln (NM_001406916.1); short protein forms H142Q, H147Q, H161Q.
Identifiers: ClinVar variation 3639030 (VCV003639030.2).